The following is an entry in ClinVar:

ClinVar aggregate classification (germline): Likely benign. Review status: criteria provided, multiple submitters, no conflicts (2 of 4 stars). 2 submissions from 2 submitters: Likely benign (2). Last evaluated 2025-09-08.

Allele frequency attached by ClinVar (database versions not stated): gnomAD exomes 0.00001; TOPMed 0.00002.
gnomAD v4.1: 17 of 1,614,130 alleles (0.0011%); highest among the groups gnomAD compares: Non-Finnish European, 0.0013%; no homozygotes.

Submissions (2):

Labcorp Genetics (formerly Invitae), Labcorp
Classification: Likely benign. Last evaluated: 2025-09-08. Review status: criteria provided, single submitter. Criteria: Invitae Variant Classification Sherloc (09022015). Collection method: clinical testing. Allele origin: germline.

CeGaT Center for Human Genetics Tuebingen
Classification: Likely benign. Last evaluated: 2022-07-01. Review status: criteria provided, single submitter. Criteria: CeGaT Center For Human Genetics Tuebingen Variant Classification Criteria Version 2. Collection method: clinical testing. Allele origin: germline. Affected: yes. Observed: 1 variant allele.
Comment: TIMM50: BP4, BP7

NM_001001563.5(TIMM50):c.603G>A (p.Ala201=)

Gene: TIMM50 (translocase of inner mitochondrial membrane 50; plus strand). Cytogenetic location: 19q13.2.
Variant type: single nucleotide variant.
Coding change: c.603G>A on transcript NM_001001563.5 (MANE Select); coding-DNA position 603, G replaced by A.
Protein change: p.Ala201=; no amino-acid change (alanine 201 retained).
Molecular consequence: synonymous variant.
Genome position (GRCh38, 1-based): chr19:39,486,402, G>A. VCF-style: chr19-39486402-G-A. GRCh37 (hg19) VCF-style: chr19-39977042-G-A.
Other names: c.264G>A, p.Ala88= (NM_001329559.2).
Identifiers: ClinVar variation 2183364 (VCV002183364.28), dbSNP rs912491103, ClinGen allele CA308239955.